The following is an entry in ClinVar:

NM_006517.5(SLC16A2):c.1512G>C (p.Met504Ile)

Gene: SLC16A2 (solute carrier family 16 member 2; plus strand). Cytogenetic location: Xq13.2.
Variant type: single nucleotide variant.
Coding change: c.1512G>C on transcript NM_006517.5 (MANE Select); coding-DNA position 1512, G replaced by C.
Protein change: p.Met504Ile; replaces methionine 504 with isoleucine.
Molecular consequence: missense variant.
Genome position (GRCh38, 1-based): chrX:74,531,445, G>C. VCF-style: chrX-74531445-G-C. GRCh37 (hg19) VCF-style: chrX-73751280-G-C.
Other names: short protein forms M504I.
Identifiers: ClinVar variation 842908 (VCV000842908.14), dbSNP rs1289700497, ClinGen allele CA413659122.

ClinVar aggregate classification (germline): Uncertain significance. Review status: criteria provided, multiple submitters, no conflicts (2 of 4 stars). 2 submissions from 2 submitters: Uncertain significance (2). Last evaluated 2020-04-20.

Conditions:
Spastic paraplegia. Identifiers: MedGen C0037772, HP:0001258.

gnomAD v4.1: 2 of 1,210,816 alleles (0.00017%); highest among the groups gnomAD compares: Non-Finnish European, 0.00022%; no homozygotes.

Submissions (2):

Mayo Clinic Laboratories, Mayo Clinic
Classification: Uncertain significance. Last evaluated: 2020-04-20. Review status: criteria provided, single submitter. Criteria: ACMG Guidelines, 2015. Collection method: clinical testing. Allele origin: germline. Observed: 1 variant allele.

Labcorp Genetics (formerly Invitae), Labcorp
Classification: Uncertain significance for Spastic paraplegia. Last evaluated: 2019-01-30. Review status: criteria provided, single submitter. Criteria: Invitae Variant Classification Sherloc (09022015). Collection method: clinical testing. Allele origin: germline.
Comment: In summary, the available evidence is currently insufficient to determine the role of this variant in disease. Therefore, it has been classified as a Variant of Uncertain Significance. Algorithms developed to predict the effect of missense changes on protein structure and function (SIFT, PolyPhen-2, Align-GVGD) all suggest that this variant is likely to be tolerated, but these predictions have not been confirmed by published functional studies and their clinical significance is uncertain. This variant has not been reported in the literature in individuals with SLC16A2-related conditions. This variant is not present in population databases (ExAC no frequency). This sequence change replaces methionine with isoleucine at codon 504 of the SLC16A2 protein (p.Met504Ile). The methionine residue is moderately conserved and there is a small physicochemical difference between methionine and isoleucine.